The following is an entry in ClinVar:

ClinVar aggregate classification (germline): Likely benign. Review status: criteria provided, multiple submitters, no conflicts (2 of 4 stars). 2 submissions from 2 submitters: Likely benign (2). Last evaluated 2024-11-24.

Conditions:
POLD1-related polyposis and colorectal cancer syndrome (CRCS10). Also called: Colorectal cancer 10; COLORECTAL CANCER, SUSCEPTIBILITY TO, ON CHROMOSOME 19q; Colorectal cancer, susceptibility to, 10. Identifiers: Orphanet 220460, MedGen C2675481, MONDO:0012953, OMIM 612591.

Allele frequency attached by ClinVar (database versions not stated): ExAC 0.00001; gnomAD exomes 0.00001; TOPMed 0.00001; gnomAD 0.00002 and 0.00003.
gnomAD v4.1: 4 of 1,513,222 alleles (0.00026%); highest among the groups gnomAD compares: Non-Finnish European, 0.00027%; no homozygotes.

Submissions (2):

Labcorp Genetics (formerly Invitae), Labcorp
Classification: Likely benign for POLD1-related polyposis and colorectal cancer syndrome. Last evaluated: 2024-11-24. Review status: criteria provided, single submitter. Criteria: Invitae Variant Classification Sherloc (09022015). Collection method: clinical testing. Allele origin: germline.

GeneDx
Classification: Likely benign. Last evaluated: 2017-05-05. Review status: criteria provided, single submitter. Criteria: GeneDx Variant Classification (06012015). Collection method: clinical testing. Allele origin: germline. Affected: yes.
Comment: This variant is considered likely benign or benign based on one or more of the following criteria: it is a conservative change, it occurs at a poorly conserved position in the protein, it is predicted to be benign by multiple in silico algorithms, and/or has population frequency not consistent with disease.

NM_002691.4(POLD1):c.2389-19G>C

Gene: POLD1 (DNA polymerase delta 1, catalytic subunit; plus strand). Cytogenetic location: 19q13.33.
Variant type: single nucleotide variant.
Coding change: c.2389-19G>C on transcript NM_002691.4 (MANE Select); 19 bases into the intron before coding-DNA position 2389, G replaced by C.
Molecular consequence: intron variant.
Genome position (GRCh38, 1-based): chr19:50,414,796, G>C. VCF-style: chr19-50414796-G-C. GRCh37 (hg19) VCF-style: chr19-50918053-G-C.
Other names: c.2389-19G>C (LRG_785t1, NM_001256849.1); c.2467-19G>C (NM_001308632.1, LRG_785t2).
Identifiers: ClinVar variation 509437 (VCV000509437.4), dbSNP rs770832864, ClinGen allele CA9596509.